The following is an entry in ClinVar:

ClinVar aggregate classification (germline): Likely benign. Review status: criteria provided, multiple submitters, no conflicts (2 of 4 stars). 3 submissions from 3 submitters: Likely benign (2). 1 of the submissions does not count toward it. Last evaluated 2025-10-13.

Conditions:
LAMB1-related disorder. Also called: LAMB1-related condition.

Allele frequency attached by ClinVar (database versions not stated): 1000 Genomes Project 30x 0.00016; gnomAD exomes 0.00019 and 0.00026; 1000 Genomes Project 0.00020; ExAC 0.00027; ESP Exome Variant Server 0.00031; gnomAD 0.00036; TOPMed 0.00040.
gnomAD v4.1: 342 of 1,613,758 alleles (0.021%); highest among the groups gnomAD compares: Admixed American, 0.047%; no homozygotes.

Submissions (3):

Labcorp Genetics (formerly Invitae), Labcorp
Classification: Likely benign. Last evaluated: 2025-10-13. Review status: criteria provided, single submitter. Criteria: Invitae Variant Classification Sherloc (09022015). Collection method: clinical testing. Allele origin: germline.

Blueprint Genetics
Classification: Likely benign. Last evaluated: 2024-08-08. Review status: criteria provided, single submitter. Criteria: ACMG Guidelines, 2015. Collection method: clinical testing. Allele origin: germline.

PreventionGenetics, part of Exact Sciences
Classification: Likely benign for LAMB1-related condition. Last evaluated: 2019-11-11. Review status: no assertion criteria provided. Collection method: clinical testing. Allele origin: germline. Not counted in ClinVar's aggregate classification.
Comment: This variant is classified as likely benign based on ACMG/AMP sequence variant interpretation guidelines (Richards et al. 2015 PMID: 25741868, with internal and published modifications).

NM_002291.3(LAMB1):c.3630T>C (p.Ser1210=)

Gene: LAMB1 (laminin subunit beta 1; minus strand). Cytogenetic location: 7q31.1.
Variant type: single nucleotide variant.
Coding change: c.3630T>C on transcript NM_002291.3 (MANE Select); coding-DNA position 3630, T replaced by C.
Protein change: p.Ser1210=; no amino-acid change (serine 1210 retained).
Molecular consequence: synonymous variant.
Genome position (GRCh38, 1-based): chr7:107,940,120, A>G on the plus strand (T>C on the coding strand, the complement: LAMB1 is on the minus strand). VCF-style: chr7-107940120-A-G. GRCh37 (hg19) VCF-style: chr7-107580565-A-G.
Identifiers: ClinVar variation 735722 (VCV000735722.12), dbSNP rs150227039, ClinGen allele CA4435265.
Genomic context (GRCh38, chr7:107,940,120, plus strand): 5'-TATCTCGCTGACTTTCCTCTCCACCGAGTCCACAGTCTCACGGTAAGGCCCGATCACACC[A>G]CTGATCTTCAAGGCCTTGGCTTTCTCCAGGAATCTGTGTGTCCTGTTGGTCAGCTCGGCA-3'
Protein context (NP_002282.2, residues 1200-1220): FLEKAKALKI[Ser1210=]GVIGPYRETV